The following is an entry in ClinVar:

NM_005811.5(GDF11):c.87GGC[9] (p.Ala41del)

Gene: GDF11 (growth differentiation factor 11; plus strand). Cytogenetic location: 12q13.2.
Variant type: Microsatellite.
Coding change: c.87GGC[9] on transcript NM_005811.5 (MANE Select); nine copies in a row of the 3-base unit GGC starting at c.87; the reference has ten copies in a row; one copy, 3 bases deleted.
Protein change: p.Ala41del; deletes alanine 41.
Genome position (GRCh38, 1-based): chr12:55,743,430-55,743,432, GGC deleted; deleting any 3 consecutive bases within chr12:55,743,401-55,743,432 gives the same sequence; the position shown is the placement nearest the transcript's 3' end. VCF-style (leftmost placement, unchanged base first): chr12-55743400-CGCG-C. GRCh37 (hg19) VCF-style: chr12-56137184-CGCG-C.
Other names: short protein forms A41del.
Identifiers: ClinVar variation 3054165 (VCV003054165.3), dbSNP rs759951553, ClinGen allele CA237558528.

ClinVar aggregate classification (germline): Likely benign. Review status: criteria provided, single submitter (1 of 4 stars). 2 submissions from 2 submitters: Likely benign (1). 1 of the submissions does not count toward it. Last evaluated 2024-11-27.

Conditions:
GDF11-related disorder. Also called: GDF11-related condition.

Submissions (2):

Blueprint Genetics
Classification: Likely benign. Last evaluated: 2024-11-27. Review status: criteria provided, single submitter. Criteria: ACMG Guidelines, 2015. Collection method: clinical testing. Allele origin: germline.

PreventionGenetics, part of Exact Sciences
Classification: Likely benign for GDF11-related condition. Last evaluated: 2022-02-08. Review status: no assertion criteria provided. Collection method: clinical testing. Allele origin: germline. Not counted in ClinVar's aggregate classification.
Comment: This variant is classified as likely benign based on ACMG/AMP sequence variant interpretation guidelines (Richards et al. 2015 PMID: 25741868, with internal and published modifications).